The following is an entry in ClinVar:

ClinVar aggregate classification (germline): Pathogenic (1 of 4 stars; one submission).

Submission:

GeneDx
Classification: Pathogenic. Last evaluated: 2016-11-09. Review status: criteria provided, single submitter. Criteria: GeneDx Variant Classification (06012015). Collection method: clinical testing. Allele origin: germline. Affected: yes.
Comment: The c.245delG pathogenic variant in the EDA1 gene has been reported previously in association with ectodermal dysplasia (Lexner et al., 2008). The deletion causes a frameshift starting with codon Glycine 82, changes this amino acid to a Alanine residue and creates a premature Stop codon at position 9 of the new reading frame, denoted p.Gly82AlafsX9. This pathogenic variant is predicted to cause loss of normal protein function either through protein truncation or nonsense-mediated mRNA decay. Additionally, the c.245delG variant was not observed in approximately 6,500 individuals of European and African American ancestry in the NHLBI Exome Sequencing Project.

NM_001399.5(EDA):c.245del (p.Gly82fs)

Gene: EDA (ectodysplasin A; plus strand). Cytogenetic location: Xq13.1.
Variant type: Deletion.
Coding change: c.245del on transcript NM_001399.5 (MANE Select); coding-DNA position 245, one base deleted (G; older notation c.245delG).
Protein change: p.Gly82fs; shifts the reading frame from glycine 82.
Molecular consequence: frameshift variant.
Genome position (GRCh38, 1-based): chrX:69,616,553, G deleted; the last of 3 consecutive G bases (chrX:69,616,551-69,616,553); deleting any one gives the same sequence. VCF-style (leftmost placement, unchanged base first): chrX-69616550-CG-C. GRCh37 (hg19) VCF-style: chrX-68836394-CG-C.
Other names: c.245del, p.Gly82fs (NM_001005609.2, NM_001005610.4, NM_001005612.3 and 1 more transcripts); short protein forms G82fs.
Identifiers: ClinVar variation 372765 (VCV000372765.2), dbSNP rs1057517971, ClinGen allele CA16043299.
Genomic context (GRCh38, chrX:69,616,550, plus strand): 5'-ACCTAGAGTTGCGCTCGGAGTTGCGGCGGGAACGTGGAGCCGAGTCCCGCCTTGGCGGCT[CG>C]GGCACCCCTGGCACCTCTGGCACCCTAAGCAGCCTCGGTGGCCTCGACCCTGACAGCCCC-3'